The following is an entry in ClinVar:

ClinVar aggregate classification (germline): Likely benign (1 of 4 stars; one submission).

Conditions:
TRPC5-related disorder. Also called: TRPC5-related condition.

gnomAD v4.1: 5 of 1,201,744 alleles (0.00042%); highest among the groups gnomAD compares: Non-Finnish European, 0.00056%; no homozygotes.

Submission:

PreventionGenetics, part of Exact Sciences
Classification: Likely benign for TRPC5-related condition. Last evaluated: 2025-04-29. Review status: criteria provided, single submitter. Criteria: ACMG Guidelines, 2015. Collection method: clinical testing. Allele origin: germline.
Comment: This variant is classified as likely benign based on ACMG/AMP sequence variant interpretation guidelines (Richards et al. 2015 PMID: 25741868, with internal and published modifications).

NM_012471.3(TRPC5):c.2166A>G (p.Lys722=)

Gene: TRPC5 (transient receptor potential cation channel subfamily C member 5; minus strand). Cytogenetic location: Xq23.
Variant type: single nucleotide variant.
Coding change: c.2166A>G on transcript NM_012471.3 (MANE Select); coding-DNA position 2166, A replaced by G.
Protein change: p.Lys722=; no amino-acid change (lysine 722 retained).
Molecular consequence: synonymous variant.
Genome position (GRCh38, 1-based): chrX:111,779,051, T>C on the plus strand (A>G on the coding strand, the complement: TRPC5 is on the minus strand). VCF-style: chrX-111779051-T-C. GRCh37 (hg19) VCF-style: chrX-111022279-T-C.
Identifiers: ClinVar variation 4978225 (VCV004978225.1).
Genomic context (GRCh38, chrX:111,779,051, plus strand): 5'-ATTTTCTTCTGTAAGTCCCTCATGTGTTTTGGAATTTCTTATCATAGCAGCCACATATCT[T>C]TTGACTAAATTCCTGATAACTTCCTGGAATTACAAAACATGAAGAAGCATTCAGTCTCCT-3'
Protein context (NP_036603.1, residues 712-732): HYQEVIRNLV[Lys722=]RYVAAMIRNS